The following is an entry in ClinVar:

ClinVar aggregate classification (germline): Uncertain significance (1 of 4 stars; one submission).

Conditions:
ABCA13-related disorder. Also called: ABCA13-related condition.

Submission:

PreventionGenetics, part of Exact Sciences
Classification: Uncertain significance for ABCA13-related condition. Last evaluated: 2026-07-29. Review status: criteria provided, single submitter. Criteria: ACMG Guidelines, 2015. Collection method: clinical testing. Allele origin: germline.
Comment: The ABCA13 c.12460-2A>T variant is predicted to disrupt the AG splice acceptor site and interfere with normal splicing. To our knowledge, this variant has not been reported in the literature or in a large population database (gnomAD), indicating this variant is rare. Loss-of-function variants have not been established as a disease mechanism for this gene. At this time, the clinical significance of this variant is uncertain due to the absence of conclusive functional and genetic evidence.

NM_152701.5(ABCA13):c.12460-2A>T

Gene: ABCA13 (ATP binding cassette subfamily A member 13; plus strand). Cytogenetic location: 7p12.3.
Variant type: single nucleotide variant.
Coding change: c.12460-2A>T on transcript NM_152701.5 (MANE Select); the canonical splice acceptor site of the intron before coding-DNA position 12460, A replaced by T.
Molecular consequence: splice acceptor variant.
Genome position (GRCh38, 1-based): chr7:48,427,764, A>T. VCF-style: chr7-48427764-A-T. GRCh37 (hg19) VCF-style: chr7-48467361-A-T.
Identifiers: ClinVar variation 4998398 (VCV004998398.1).